The following is an entry in ClinVar:

NM_001365951.3(KIF1B):c.5225G>A (p.Arg1742His)

Gene: KIF1B (kinesin family member 1B; plus strand). Cytogenetic location: 1p36.22.
Variant type: single nucleotide variant.
Coding change: c.5225G>A on transcript NM_001365951.3 (MANE Select); coding-DNA position 5225, G replaced by A.
Protein change: p.Arg1742His; replaces arginine 1742 with histidine.
Molecular consequence: missense variant.
Genome position (GRCh38, 1-based): chr1:10,374,982, G>A. VCF-style: chr1-10374982-G-A. GRCh37 (hg19) VCF-style: chr1-10435040-G-A.
Other names: c.5225G>A, p.Arg1742His (NM_001365952.1); c.5087G>A, p.Arg1696His (NM_015074.3); short protein forms R1696H, R1742H.
Identifiers: ClinVar variation 543240 (VCV000543240.11), dbSNP rs768058092, ClinGen allele CA582292.
Genomic context (GRCh38, chr1:10,374,982, plus strand): 5'-TTGTTGTCGTCCGTCGGCCTTATGTCTTCATCTATAACAGTGACAAAGACCCTGTGGAGC[G>A]TGGAATCATTAACCTGTCCACAGCACAGGTGGAGTACAGTGAGGACCAGCAGGCCATGGT-3'
Protein context (NP_001352880.1, residues 1732-1752): IYNSDKDPVE[Arg1742His]GIINLSTAQV

ClinVar aggregate classification (germline): Uncertain significance. Review status: criteria provided, multiple submitters, no conflicts (2 of 4 stars). 3 submissions from 3 submitters: Uncertain significance (3). Last evaluated 2025-04-11.

Conditions:
Charcot-Marie-Tooth disease type 2. Also called: Charcot-Marie-Tooth type 2. Identifiers: Orphanet 64746, MedGen C0270914, MONDO:0018993.
Pheochromocytoma. Also called: MAX-Related Hereditary Paraganglioma-Pheochromocytoma Syndrome. Identifiers: Orphanet 29072, MedGen C0031511, MONDO:0008233, OMIM 171300, HP:0002666.

Allele frequency attached by ClinVar (database versions not stated): TOPMed 0.00001; ExAC 0.00001; gnomAD exomes 0.00002; gnomAD 0.00002.
gnomAD v4.1: 13 of 1,614,024 alleles (0.00081%); highest among the groups gnomAD compares: South Asian, 0.0033%; no homozygotes.

Submissions (3):

Ambry Genetics
Classification: Uncertain significance. Last evaluated: 2025-04-11. Review status: criteria provided, single submitter. Criteria: Ambry Variant Classification Scheme 2023. Collection method: clinical testing. Allele origin: germline.
Comment: The p.R1696H variant (also known as c.5087G>A), located in coding exon 44 of the KIF1B gene, results from a G to A substitution at nucleotide position 5087. The arginine at codon 1696 is replaced by histidine, an amino acid with highly similar properties. This amino acid position is highly conserved in available vertebrate species. In addition, the in silico prediction for this alteration is inconclusive. Since supporting evidence is limited at this time, the clinical significance of this alteration remains unclear.

Labcorp Genetics (formerly Invitae), Labcorp
Classification: Uncertain significance for Charcot-Marie-Tooth disease type 2. Last evaluated: 2025-02-25. Review status: criteria provided, single submitter. Criteria: Invitae Variant Classification Sherloc (09022015). Collection method: clinical testing. Allele origin: germline.
Comment: This sequence change replaces arginine, which is basic and polar, with histidine, which is basic and polar, at codon 1696 of the KIF1B protein (p.Arg1696His). This variant is present in population databases (rs768058092, gnomAD 0.006%). This variant has not been reported in the literature in individuals affected with KIF1B-related conditions. ClinVar contains an entry for this variant (Variation ID: 543240). An algorithm developed to predict the effect of missense changes on protein structure and function (PolyPhen-2) suggests that this variant is likely to be disruptive. In summary, the available evidence is currently insufficient to determine the role of this variant in disease. Therefore, it has been classified as a Variant of Uncertain Significance.

St. Jude Molecular Pathology, St. Jude Children's Research Hospital
Classification: Uncertain significance for Pheochromocytoma. Last evaluated: 2023-05-03. Review status: criteria provided, single submitter. Criteria: St. Jude Assertion Criteria 2020. Collection method: clinical testing. Allele origin: germline.
Comment: The KIF1B c.5087G>A (p.Arg1696His) missense change has a maximum subpopulation frequency of 0.006% in gnomAD v2.1.1. The in silico tool REVEL is inconclusive about a pathogenic or benign effect of this variant on protein function, and to our knowledge functional studies have not been performed. To our knowledge, this variant has not been reported in individuals with pheochromocytoma or neuroblastoma. In summary, the evidence currently available is insufficient to determine the clinical significance of this variant. It has therefore been classified as of uncertain significance.